The following is an entry in ClinVar:

ClinVar aggregate classification (germline): Uncertain significance. Review status: criteria provided, multiple submitters, no conflicts (2 of 4 stars). 6 submissions from 6 submitters: Uncertain significance (6). Last evaluated 2025-09-23.

Conditions:
Cardiovascular phenotype. Identifiers: MedGen CN230736.
Cardiomyopathy (CMYO). Also called: Cardiomyopathies. Identifiers: Orphanet 167848, MedGen C0878544, MONDO:0004994, HP:0001638. Inheritance: Various modes of inheritance.
Hypertrophic cardiomyopathy. Also called: HYPERTROPHIC MYOCARDIOPATHY. Identifiers: Orphanet 217569, MedGen C0007194, MeSH D002312, MONDO:0005045, HP:0001639.

Allele frequency attached by ClinVar (database versions not stated): gnomAD exomes below 0.00001 and 0.00001.
gnomAD v4.1: 5 of 1,609,616 alleles (0.00031%); highest among the groups gnomAD compares: Middle Eastern, 0.017%; no homozygotes.

Submissions (6):

Labcorp Genetics (formerly Invitae), Labcorp
Classification: Uncertain significance for Hypertrophic cardiomyopathy. Last evaluated: 2025-09-23. Review status: criteria provided, single submitter. Criteria: Invitae Variant Classification Sherloc (09022015). Collection method: clinical testing. Allele origin: germline.
Comment: This sequence change replaces alanine, which is neutral and non-polar, with valine, which is neutral and non-polar, at codon 950 of the MYBPC3 protein (p.Ala950Val). The frequency data for this variant in the population databases is considered unreliable, as metrics indicate poor data quality at this position in the gnomAD database. This missense change has been observed in individual(s) with hypertrophic cardiomyopathy (PMID: 25524337, 33495597, 33782553). ClinVar contains an entry for this variant (Variation ID: 180985). An algorithm developed to predict the effect of missense changes on protein structure and function (PolyPhen-2) suggests that this variant is likely to be disruptive. In summary, the available evidence is currently insufficient to determine the role of this variant in disease. Therefore, it has been classified as a Variant of Uncertain Significance.

Ambry Genetics
Classification: Uncertain significance for Cardiovascular phenotype. Last evaluated: 2025-06-24. Review status: criteria provided, single submitter. Criteria: Ambry Variant Classification Scheme 2023. Collection method: clinical testing. Allele origin: germline.
Comment: The p.A950V variant (also known as c.2849C>T), located in coding exon 27 of the MYBPC3 gene, results from a C to T substitution at nucleotide position 2849. The alanine at codon 950 is replaced by valine, an amino acid with similar properties. This alteration has been detected in hypertrophic cardiomyopathy (HCM) cohorts; however, clinical details were limited, and reported cases may overlap (Coppini R et al. J. Am. Coll. Cardiol., 2014 Dec;64:2589-600; Helms AS et al. Circ Genom Precis Med. 2020 10;13(5):396-405; Harper AR et al. Nat Genet. 2021 02;53(2):135-142). This variant has also been detected in exome cohorts; however, clinical detail was limited (Kars ME et al. Proc Natl Acad Sci U S A. 2021 09;118(36); Park J et al. Nat Med. 2021 01;27(1):66-72). This amino acid position is highly conserved in available vertebrate species. In addition, the in silico prediction for this alteration is inconclusive. Based on the available evidence, the clinical significance of this variant remains unclear.

All of Us Research Program, National Institutes of Health
Classification: Uncertain significance for Hypertrophic cardiomyopathy. Last evaluated: 2024-09-17. Review status: criteria provided, single submitter. Criteria: ACMG Guidelines, 2015. Collection method: clinical testing. Allele origin: germline. Inheritance: Autosomal dominant inheritance. Observed: 9 variant alleles, 9 heterozygotes.
Comment: This missense variant replaces alanine with valine at codon 950 of the MYBPC3 protein. Computational prediction suggests that this variant may have a deleterious impact on protein structure and function (internally defined REVEL score threshold >= 0.7, PMID: 27666373). Splice site prediction tools are inconclusive regarding the impact of this variant on RNA splicing. To our knowledge, functional studies have not been reported for this variant. This variant has been reported in at least one individual affected with hypertrophic cardiomyopathy (PMID: 25524337, 33495597, 33782553). This variant has been identified in 1/243916 chromosomes in the general population by the Genome Aggregation Database (gnomAD). The available evidence is insufficient to determine the role of this variant in disease conclusively. Therefore, this variant is classified as a Variant of Uncertain Significance.

This study involves interpretation of variants in research participants for the purpose of population health screening. Participant phenotype was not available at the time of variant classification. Additional details can be found in publication PMID: 35346344, PMCID: PMC8962531

Color Diagnostics, LLC DBA Color Health
Classification: Uncertain significance for Cardiomyopathy. Last evaluated: 2024-04-29. Review status: criteria provided, single submitter. Criteria: ACMG Guidelines, 2015. Collection method: clinical testing. Allele origin: germline.
Comment: This missense variant replaces alanine with valine at codon 950 of the MYBPC3 protein. Computational prediction tools indicate that this variant has a deleterious impact on protein structure and function. To our knowledge, functional studies have not been reported for this variant. This variant has been reported in at least one individual affected with hypertrophic cardiomyopathy (PMID: 25524337, 33495597, 33782553). This variant has been identified in 1/243916 chromosomes in the general population by the Genome Aggregation Database (gnomAD). The available evidence is insufficient to determine the role of this variant in disease conclusively. Therefore, this variant is classified as a Variant of Uncertain Significance.

CHEO Genetics Diagnostic Laboratory, Children's Hospital of Eastern Ontario
Classification: Uncertain significance for Cardiomyopathy. Last evaluated: 2019-03-14. Review status: criteria provided, single submitter. Criteria: ACMG Guidelines, 2015. Collection method: clinical testing. Allele origin: germline.

GeneDx
Classification: Uncertain significance. Last evaluated: 2017-02-03. Review status: criteria provided, single submitter. Criteria: GeneDx Variant Classification (06012015). Collection method: clinical testing. Allele origin: germline. Affected: yes.
Comment: This variant is dentoed p.Ala950Val (GCA>GTA): c.2849 C>T in exon 27 of the MYBPC3 gene (NM_000256.3). The A950V variant in the MYBPC3 gene has not been reported as a disease-causing mutation or as a benign polymorphism to our knowledge. The A950V variant is a conservative amino acid substitution, which is not likely to impact secondary protein structure as these residues share similar properties. This substitution occurs at a position that is conserved across species. In silico analysis predicts A950V is probably damaging to the protein structure/function. Splice algorithms also predict A950V may affect splicing, creating a cryptic splice donor site. Mutations in nearby residues (R943Q, T957S, T958I) have been reported in association with HCM, further supporting the functional importance of this region of the protein. Furthermore, the A950V variant was not observed in approximately 6,000 individuals of European and African American ancestry in the NHLBI Exome Sequencing Project, indicating it is not a common benign variant in these populations. Therefore, this variant is a strong candidate for a pathogenic mutation, however the possibility that it is a benign variant cannot be excluded. The variant is found in HCM panel(s).

Literature cited by the submitters: PubMed 25524337 (cited by 4 submitters); PubMed 33495597 (cited by 4 submitters); PubMed 33782553 (cited by 3 submitters); PubMed 32841044 (cited by Ambry Genetics); PubMed 33432171 (cited by Ambry Genetics); PubMed 34426522 (cited by Ambry Genetics).

NM_000256.3(MYBPC3):c.2849C>T (p.Ala950Val)

Gene: MYBPC3 (myosin binding protein C3; minus strand). Cytogenetic location: 11p11.2.
Variant type: single nucleotide variant.
Coding change: c.2849C>T on transcript NM_000256.3 (MANE Select); coding-DNA position 2849, C replaced by T.
Protein change: p.Ala950Val; replaces alanine 950 with valine.
Molecular consequence: missense variant.
Genome position (GRCh38, 1-based): chr11:47,335,098, G>A on the plus strand (C>T on the coding strand, the complement: MYBPC3 is on the minus strand). VCF-style: chr11-47335098-G-A. GRCh37 (hg19) VCF-style: chr11-47356649-G-A.
Other names: p.A950V:GCA>GTA; c.2849C>T, p.Ala950Val (LRG_386t1); short protein forms A950V.
Identifiers: ClinVar variation 180985 (VCV000180985.22), dbSNP rs730880577, ClinGen allele CA013047.
Genomic context (GRCh38, chr11:47,335,098, plus strand): 5'-TCACGCAGGATCTCCTGCACTGTCACCGGCTCCGTGGTGGTAACAGGGGCTCCAGGCCCT[G>A]CCATATTGTGTGCCCGCACTCGGAAAAGCAGCCGGGCCCCCGTGGGCAGGTCCTTCACCA-3'
Protein context (NP_000247.2, residues 940-960): LLFRVRAHNM[Ala950Val]GPGAPVTTTE